The following is an entry in ClinVar:

NM_002880.4(RAF1):c.67G>A (p.Asp23Asn)

Gene: RAF1 (Raf-1 proto-oncogene, serine/threonine kinase; minus strand). Cytogenetic location: 3p25.2.
Variant type: single nucleotide variant.
Coding change: c.67G>A on transcript NM_002880.4 (MANE Select); coding-DNA position 67, G replaced by A.
Protein change: p.Asp23Asn; replaces aspartic acid 23 with asparagine.
Molecular consequence: missense variant. On other transcripts: 5 prime UTR variant (4), non-coding transcript variant (3).
Genome position (GRCh38, 1-based): chr3:12,618,655, C>T on the plus strand (G>A on the coding strand, the complement: RAF1 is on the minus strand). VCF-style: chr3-12618655-C-T. GRCh37 (hg19) VCF-style: chr3-12660154-C-T.
Other names: c.67G>A, p.Asp23Asn (NM_001354689.3, NM_001354690.3, NM_001354693.3); c.-64G>A (NM_001354691.3, NM_001354692.3, NM_001354694.3 and 1 more transcripts); short protein forms D23N.
Identifiers: ClinVar variation 967021 (VCV000967021.9), dbSNP rs2059451949, ClinGen allele CA351485142.
Genomic context (GRCh38, chr3:12,618,655, plus strand): 5'-ATGCCCGGCGCTGATAGCCAAACTGCTGAACTATTGTAGGAGAGATGCAGCTGGAGCCAT[C>T]AAACACGGCATCTTTGAATCCAAAACCATTGCTGATCGTCTTCCAAGCTCCCTGTATGTG-3'
Protein context (NP_002871.1, residues 13-33): NGFGFKDAVF[Asp23Asn]GSSCISPTIV

ClinVar aggregate classification (germline): Uncertain significance (1 of 4 stars; one submission).

Conditions:
RASopathy. Also called: Noonan spectrum disorder; rasopathies. Identifiers: Orphanet 536391, MedGen C5555857, MONDO:0021060.

Allele frequency attached by ClinVar (database versions not stated): gnomAD exomes below 0.00001; gnomAD 0.00001.
gnomAD v4.1: 5 of 1,614,092 alleles (0.00031%); highest among the groups gnomAD compares: Non-Finnish European, 0.00042%; no homozygotes.

Submission:

Labcorp Genetics (formerly Invitae), Labcorp
Classification: Uncertain significance for RASopathy. Last evaluated: 2019-10-03. Review status: criteria provided, single submitter. Criteria: Invitae Variant Classification Sherloc (09022015). Collection method: clinical testing. Allele origin: germline.
Comment: This sequence change replaces aspartic acid with asparagine at codon 23 of the RAF1 protein (p.Asp23Asn). The aspartic acid residue is moderately conserved and there is a small physicochemical difference between aspartic acid and asparagine. This variant is not present in population databases (ExAC no frequency). This variant has not been reported in the literature in individuals with RAF1-related conditions. Algorithms developed to predict the effect of missense changes on protein structure and function (SIFT, PolyPhen-2, Align-GVGD) all suggest that this variant is likely to be tolerated, but these predictions have not been confirmed by published functional studies and their clinical significance is uncertain. In summary, the available evidence is currently insufficient to determine the role of this variant in disease. Therefore, it has been classified as a Variant of Uncertain Significance.